The following is an entry in ClinVar:

ClinVar aggregate classification (germline): Conflicting classifications of pathogenicity. Review status: criteria provided, conflicting classifications (1 of 4 stars). 3 submissions from 3 submitters: Uncertain significance (1); Likely benign (1). 1 of the submissions does not count toward it. Last evaluated 2026-01-25.

Conditions:
ABCC6-related disorder. Also called: ABCC6-related condition.
Arterial calcification, generalized, of infancy, 2. Identifiers: Orphanet 51608, MedGen C3276161, MONDO:0013768, OMIM 614473.
Autosomal recessive inherited pseudoxanthoma elasticum (PXE). Identifiers: Orphanet 758, MedGen CN032334, MONDO:0009925, OMIM 264800.
Pseudoxanthoma elasticum, forme fruste. Also called: PSEUDOXANTHOMA ELASTICUM, HETEROZYGOUS; Pseudoxanthoma Elasticum, Incomplete. Identifiers: Orphanet 758, MedGen C1867450, MONDO:0008333, OMIM 177850.

Allele frequency attached by ClinVar (database versions not stated): gnomAD 0.00002; TOPMed 0.00005; gnomAD exomes 0.00006 and 0.00011; ExAC 0.00007.
gnomAD v4.1: 37 of 1,613,798 alleles (0.0023%); highest among the groups gnomAD compares: Admixed American, 0.062%; no homozygotes.

Submissions (3):

Labcorp Genetics (formerly Invitae), Labcorp
Classification: Likely benign. Last evaluated: 2026-01-25. Review status: criteria provided, single submitter. Criteria: Invitae Variant Classification Sherloc (09022015). Collection method: clinical testing. Allele origin: germline.

Fulgent Genetics
Classification: Uncertain significance for Pseudoxanthoma elasticum, forme fruste; Autosomal recessive inherited pseudoxanthoma elasticum; Arterial calcification, generalized, of infancy, 2. Last evaluated: 2024-01-03. Review status: criteria provided, single submitter. Criteria: ACMG Guidelines, 2015. Collection method: clinical testing. Allele origin: germline.

PreventionGenetics, part of Exact Sciences
Classification: Likely benign for ABCC6-related condition. Last evaluated: 2024-08-25. Review status: no assertion criteria provided. Collection method: clinical testing. Allele origin: germline. Not counted in ClinVar's aggregate classification.
Comment: This variant is classified as likely benign based on ACMG/AMP sequence variant interpretation guidelines (Richards et al. 2015 PMID: 25741868, with internal and published modifications).

NM_001171.6(ABCC6):c.3606G>A (p.Val1202=)

Gene: ABCC6 (ATP binding cassette subfamily C member 6; minus strand). Cytogenetic location: 16p13.11.
Variant type: single nucleotide variant.
Coding change: c.3606G>A on transcript NM_001171.6 (MANE Select); coding-DNA position 3606, G replaced by A.
Protein change: p.Val1202=; no amino-acid change (valine 1202 retained).
Molecular consequence: synonymous variant. On other transcripts: non-coding transcript variant (1).
Genome position (GRCh38, 1-based): chr16:16,161,465, C>T on the plus strand (G>A on the coding strand, the complement: ABCC6 is on the minus strand). VCF-style: chr16-16161465-C-T. GRCh37 (hg19) VCF-style: chr16-16255322-C-T.
Other names: c.3264G>A, p.Val1088= (NM_001351800.1); c.3606G>A (NM_001171.5).
Identifiers: ClinVar variation 1626500 (VCV001626500.11), dbSNP rs766504801, ClinGen allele CA7925517.